The following is an entry in ClinVar:

NM_007353.3(GNA12):c.310-19218G>A

Gene: GNA12 (G protein subunit alpha 12; minus strand). Cytogenetic location: 7p22.2.
Variant type: single nucleotide variant.
Coding change: c.310-19218G>A on transcript NM_007353.3 (MANE Select); 19218 bases into the intron before coding-DNA position 310, G replaced by A.
Molecular consequence: intron variant. On other transcripts: missense variant (1).
Genome position (GRCh38, 1-based): chr7:2,814,361, C>T on the plus strand (G>A on the coding strand, the complement: GNA12 is on the minus strand). VCF-style: chr7-2814361-C-T. GRCh37 (hg19) VCF-style: chr7-2853995-C-T.
Other names: c.83G>A, p.Arg28Gln (NM_001282441.2); c.310-19218G>A (NM_001293092.2); short protein forms R28Q.
Identifiers: ClinVar variation 2657237 (VCV002657237.24), dbSNP rs151253462, ClinGen allele CA4131608.

ClinVar aggregate classification (germline): Likely benign (1 of 4 stars; one submission).

Allele frequency attached by ClinVar (database versions not stated): 1000 Genomes Project 0.00240; 1000 Genomes Project 30x 0.00281; ESP Exome Variant Server 0.00593; gnomAD 0.00594; TOPMed 0.00640.
gnomAD v4.1: 12,411 of 1,603,128 alleles (0.77%); highest among the groups gnomAD compares: Middle Eastern, 2.6%; 76 homozygotes.

Submission:

CeGaT Center for Human Genetics Tuebingen
Classification: Likely benign. Last evaluated: 2022-12-01. Review status: criteria provided, single submitter. Criteria: CeGaT Center For Human Genetics Tuebingen Variant Classification Criteria Version 2. Collection method: clinical testing. Allele origin: germline. Affected: yes. Observed: 1 variant allele.
Comment: GNA12: BP4, BS2